The following is an entry in ClinVar:

NM_002206.3(ITGA7):c.1829G>T (p.Gly610Val)

Gene: ITGA7 (integrin subunit alpha 7; minus strand). Cytogenetic location: 12q13.2.
Variant type: single nucleotide variant.
Coding change: c.1829G>T on transcript NM_002206.3 (MANE Select); coding-DNA position 1829, G replaced by T.
Protein change: p.Gly610Val; replaces glycine 610 with valine.
Molecular consequence: missense variant.
Genome position (GRCh38, 1-based): chr12:55,696,341, C>A on the plus strand (G>T on the coding strand, the complement: ITGA7 is on the minus strand). VCF-style: chr12-55696341-C-A. GRCh37 (hg19) VCF-style: chr12-56090125-C-A.
Other names: c.1841G>T, p.Gly614Val (NM_001144996.2); c.1550G>T, p.Gly517Val (NM_001144997.2); c.1502G>T, p.Gly501Val (NM_001367993.1); c.485G>T, p.Gly162Val (NM_001367994.1); c.1811G>T, p.Gly604Val (NM_001374465.1); c.1961G>T, p.Gly654Val (NM_001410977.1); c.1823G>T, p.Gly608Val (NM_001414029.1); c.1754G>T, p.Gly585Val (NM_001414030.1); and 5 more; short protein forms G517V, G610V, G501V, G614V, G162V, G604V, G654V, G549V.
Identifiers: ClinVar variation 432936 (VCV000432936.13), dbSNP rs550384423, ClinGen allele CA6615819.
Genomic context (GRCh38, chr12:55,696,341, plus strand): 5'-ACCTCTGCCCGCTGGGTGCTGGGCTGGTGGGCATTGAGGATGGGGGCCACTGGAGGCAGC[C>A]CCTGGCCAGGAGCCTGTCGCCGGAGCCGAGGGGTCTGGAGACTGTAGGACAAGGTCACTA-3'
Protein context (NP_002197.2, residues 600-620): PRLRRQAPGQ[Gly610Val]LPPVAPILNA

ClinVar aggregate classification (germline): Uncertain significance. Review status: criteria provided, multiple submitters, no conflicts (2 of 4 stars). 4 submissions from 4 submitters: Uncertain significance (4). Last evaluated 2024-08-30.

Conditions:
Congenital muscular dystrophy due to integrin alpha-7 deficiency. Also called: Congenital muscular dystrophy with integrin alpha-7 deficiency; Muscular dystrophy, congenital, due to ITGA7 deficiency; MYOPATHY, CONGENITAL, DUE TO INTEGRIN ALPHA-7 DEFICIENCY. Identifiers: Orphanet 34520, MedGen C2750786, MONDO:0013177, OMIM 613204.

Allele frequency attached by ClinVar (database versions not stated): gnomAD 0.00004 and 0.00005; TOPMed 0.00015; 1000 Genomes Project 30x 0.00016; ExAC 0.00017; gnomAD exomes 0.00017; 1000 Genomes Project 0.00020.
gnomAD v4.1: 103 of 1,585,808 alleles (0.0065%); highest among the groups gnomAD compares: Middle Eastern, 0.083%; no homozygotes.

Submissions (5):

GeneDx
Classification: Uncertain significance. Last evaluated: 2024-08-30. Review status: criteria provided, single submitter. Criteria: GeneDx Variant Classification Process June 2021. Collection method: clinical testing. Allele origin: germline. Affected: yes.
Comment: In silico analysis supports that this missense variant has a deleterious effect on protein structure/function; Has not been previously published as pathogenic or benign to our knowledge

Blueprint Genetics
Classification: Uncertain significance. Last evaluated: 2024-01-10. Review status: criteria provided, single submitter. Criteria: ACMG Guidelines, 2015. Collection method: clinical testing. Allele origin: germline.

Labcorp Genetics (formerly Invitae), Labcorp
Classification: Uncertain significance for Congenital muscular dystrophy due to integrin alpha-7 deficiency. Last evaluated: 2023-11-27. Review status: criteria provided, single submitter. Criteria: Invitae Variant Classification Sherloc (09022015). Collection method: clinical testing. Allele origin: germline.
Comment: This sequence change replaces glycine, which is neutral and non-polar, with valine, which is neutral and non-polar, at codon 610 of the ITGA7 protein (p.Gly610Val). This variant is present in population databases (rs550384423, gnomAD 0.07%). This variant has not been reported in the literature in individuals affected with ITGA7-related conditions. ClinVar contains an entry for this variant (Variation ID: 432936). An algorithm developed to predict the effect of missense changes on protein structure and function (PolyPhen-2) suggests that this variant¬†is likely to be tolerated. In summary, the available evidence is currently insufficient to determine the role of this variant in disease. Therefore, it has been classified as a Variant of Uncertain Significance.

Breakthrough Genomics
Classification: Uncertain significance. Review status: criteria provided, single submitter. Criteria: ACMG Guidelines, 2015. Collection method: not provided. Allele origin: germline. Inheritance: Autosomal recessive inheritance. Affected: yes.

Dr. Peter K. Rogan Lab, Western University
No classification provided (evidence only). Condition: Sarcoma. Review status: no classification provided. Collection method: in vitro. Allele origin: not applicable. Functional consequence: retained intron. Not counted in ClinVar's aggregate classification.